The following is an entry in ClinVar:

ClinVar aggregate classification (germline): Uncertain significance (1 of 4 stars; one submission).

Conditions:
Frasier syndrome. Identifiers: Orphanet 347, MedGen C0950122, MeSH D052159, MONDO:0007635, OMIM 136680.
Drash syndrome (DDS). Also called: NEPHROPATHY, WILMS TUMOR, AND GENITAL ANOMALIES; WILMS TUMOR AND PSEUDO- OR TRUE HERMAPHRODITISM. Identifiers: Orphanet 220, MedGen C0950121, MONDO:0008682, OMIM 194080.
Wilms tumor 1 (WT1). Also called: Wilms tumor, somatic. Identifiers: Orphanet 654, MedGen CN033288, MONDO:0008679, OMIM 194070.
11p partial monosomy syndrome (WAGR). Also called: CHROMOSOME 11p13 DELETION SYNDROME; WAGR syndrome; WAGR Complex; WAGR Spectrum Disorder. Identifiers: Orphanet 893, MedGen C0206115, MONDO:0008681, OMIM 194072.

Allele frequency attached by ClinVar (database versions not stated): gnomAD exomes below 0.00001.
gnomAD v4.1: 1 of 1,612,486 alleles (0.000062%); highest among the groups gnomAD compares: Non-Finnish European, 0.000085%; no homozygotes.

Submission:

Labcorp Genetics (formerly Invitae), Labcorp
Classification: Uncertain significance for Wilms tumor 1; Drash syndrome; 11p partial monosomy syndrome; Frasier syndrome. Last evaluated: 2023-02-18. Review status: criteria provided, single submitter. Criteria: Invitae Variant Classification Sherloc (09022015). Collection method: clinical testing. Allele origin: germline.
Comment: This sequence change replaces glycine, which is neutral and non-polar, with glutamic acid, which is acidic and polar, at codon 173 of the WT1 protein (p.Gly173Glu). This variant is not present in population databases (gnomAD no frequency). This variant has not been reported in the literature in individuals affected with WT1-related conditions. An algorithm developed to predict the effect of missense changes on protein structure and function (PolyPhen-2) suggests that this variant is likely to be tolerated. In summary, the available evidence is currently insufficient to determine the role of this variant in disease. Therefore, it has been classified as a Variant of Uncertain Significance.

NM_024426.6(WT1):c.533G>A (p.Gly178Glu)

Genes: WT1 (WT1 transcription factor; minus strand), LOC107982234 (WT1/WT1-AS bi-directional promoter region; plus strand). Cytogenetic location: 11p13.
Variant type: single nucleotide variant.
Coding change: c.533G>A on transcript NM_024426.6 (MANE Select); coding-DNA position 533, G replaced by A.
Protein change: p.Gly178Glu; replaces glycine 178 with glutamic acid.
Molecular consequence: missense variant. On other transcripts: non-coding transcript variant (2).
Genome position (GRCh38, 1-based): chr11:32,434,828, C>T on the plus strand (G>A on the coding strand, the complement: WT1 is on the minus strand). VCF-style: chr11-32434828-C-T. GRCh37 (hg19) VCF-style: chr11-32456374-C-T.
Other names: c.533G>A, p.Gly178Glu (NM_000378.6, NM_001407044.1, NM_001407045.1 and 6 more transcripts); c.518G>A, p.Gly173Glu (NM_024425.2); short protein forms G178E, G173E.
Identifiers: ClinVar variation 2944476 (VCV002944476.3), dbSNP rs2494477688, ClinGen allele CA379964753.